The following is an entry in ClinVar:

NM_000535.7(PMS2):c.289G>A (p.Asp97Asn)

Gene: PMS2 (PMS1 homolog 2, mismatch repair system component; minus strand). Cytogenetic location: 7p22.1.
Variant type: single nucleotide variant.
Coding change: c.289G>A on transcript NM_000535.7 (MANE Select); coding-DNA position 289, G replaced by A.
Protein change: p.Asp97Asn; replaces aspartic acid 97 with asparagine.
Molecular consequence: missense variant. On other transcripts: 5 prime UTR variant (9), non-coding transcript variant (1), intron variant (2).
Genome position (GRCh38, 1-based): chr7:6,003,754, C>T on the plus strand (G>A on the coding strand, the complement: PMS2 is on the minus strand). VCF-style: chr7-6003754-C-T. GRCh37 (hg19) VCF-style: chr7-6043385-C-T.
Other names: c.-117G>A (NM_001322003.2, NM_001322004.2, NM_001322005.2 and 3 more transcripts); c.289G>A, p.Asp97Asn (NM_001322006.2, NM_001322014.2); c.-596G>A (NM_001322011.2, NM_001322012.2); c.-196G>A (NM_001322015.2); c.35+218G>A (NM_001322008.2, NM_001322007.2); c.289G>A (NM_000535.6); short protein forms D97N.
Identifiers: ClinVar variation 484301 (VCV000484301.20), dbSNP rs1395998044, ClinGen allele CA366744650.

ClinVar aggregate classification (germline): Uncertain significance. Review status: criteria provided, multiple submitters, no conflicts (2 of 4 stars). 4 submissions from 4 submitters: Uncertain significance (4). Last evaluated 2026-01-12.

Conditions:
Hereditary nonpolyposis colorectal neoplasms. Identifiers: MedGen C0009405, MeSH D003123.
Hereditary cancer-predisposing syndrome. Also called: Tumor predisposition; Hereditary Cancer Syndrome; Neoplastic Syndromes, Hereditary; Hereditary neoplastic syndrome. Identifiers: Orphanet 140162, MedGen C0027672, MeSH D009386, MONDO:0015356.

Allele frequency attached by ClinVar (database versions not stated): gnomAD exomes below 0.00001; gnomAD 0.00001.
gnomAD v4.1: 5 of 1,603,498 alleles (0.00031%); highest among the groups gnomAD compares: African/African-American, 0.0013%; no homozygotes.

Submissions (4):

Labcorp Genetics (formerly Invitae), Labcorp
Classification: Uncertain significance for Hereditary nonpolyposis colorectal neoplasms. Last evaluated: 2026-01-12. Review status: criteria provided, single submitter. Criteria: Invitae Variant Classification Sherloc (09022015). Collection method: clinical testing. Allele origin: germline.
Comment: This sequence change replaces aspartic acid, which is acidic and polar, with asparagine, which is neutral and polar, at codon 97 of the PMS2 protein (p.Asp97Asn). This variant is present in population databases (no rsID available, gnomAD 0.009%). This variant has not been reported in the literature in individuals affected with PMS2-related conditions. ClinVar contains an entry for this variant (Variation ID: 484301). Invitae Evidence Modeling of protein sequence and biophysical properties (such as structural, functional, and spatial information, amino acid conservation, physicochemical variation, residue mobility, and thermodynamic stability) indicates that this missense variant is expected to disrupt PMS2 protein function with a positive predictive value of 80%. Algorithms developed to predict the effect of sequence changes on RNA splicing suggest that this variant may disrupt the consensus splice site. In summary, the available evidence is currently insufficient to determine the role of this variant in disease. Therefore, it has been classified as a Variant of Uncertain Significance.

Ambry Genetics
Classification: Uncertain significance for Hereditary cancer-predisposing syndrome. Last evaluated: 2025-12-18. Review status: criteria provided, single submitter. Criteria: Ambry Variant Classification Scheme 2023. Collection method: clinical testing. Allele origin: germline.
Comment: The p.D97N variant (also known as c.289G>A), located in coding exon 4 of the PMS2 gene, results from a G to A substitution at nucleotide position 289. The aspartic acid at codon 97 is replaced by asparagine, an amino acid with highly similar properties. This nucleotide position is highly conserved in available vertebrate species. In silico splice site analysis for this alteration is inconclusive. RNA studies have demonstrated that this alteration results in abnormal splicing in the set of samples tested (Ambry internal data). Based on the available evidence, the clinical significance of this variant remains unclear.

Color Diagnostics, LLC DBA Color Health
Classification: Uncertain significance for Hereditary cancer-predisposing syndrome. Last evaluated: 2024-01-04. Review status: criteria provided, single submitter. Criteria: ACMG Guidelines, 2015. Collection method: clinical testing. Allele origin: germline.
Comment: This missense variant replaces aspartic acid with asparagine at codon 97 of the PMS2 protein. Computational prediction suggests that this variant may have deleterious impact on protein structure and function (internally defined REVEL score threshold >= 0.7, PMID: 27666373). To our knowledge, functional studies have not been reported for this variant. This variant has not been reported in individuals affected with PMS2-related disorders in the literature. This variant has been identified in 2/271042 chromosomes in the general population by the Genome Aggregation Database (gnomAD). The available evidence is insufficient to determine the role of this variant in disease conclusively. Therefore, this variant is classified as a Variant of Uncertain Significance.

Women's Health and Genetics/Laboratory Corporation of America, LabCorp
Classification: Uncertain significance. Last evaluated: 2023-02-21. Review status: criteria provided, single submitter. Criteria: LabCorp Variant Classification Summary - May 2015. Collection method: clinical testing. Allele origin: germline.